The following is an entry in ClinVar:

NM_031942.5(CDCA7):c.1156G>A (p.Glu386Lys)

Gene: CDCA7 (cell division cycle associated 7; plus strand). Cytogenetic location: 2q31.1.
Variant type: single nucleotide variant.
Coding change: c.1156G>A on transcript NM_031942.5 (MANE Select); coding-DNA position 1156, G replaced by A.
Protein change: p.Glu386Lys; replaces glutamic acid 386 with lysine.
Molecular consequence: missense variant.
Genome position (GRCh38, 1-based): chr2:173,366,403, G>A. VCF-style: chr2-173366403-G-A. GRCh37 (hg19) VCF-style: chr2-174231131-G-A.
Other names: c.919G>A, p.Glu307Lys (NM_145810.3); short protein forms E386K, E307K.
Identifiers: ClinVar variation 1998782 (VCV001998782.1), dbSNP rs2468426885, ClinGen allele CA349330937.

ClinVar aggregate classification (germline): Uncertain significance (1 of 4 stars; one submission).

Submission:

Labcorp Genetics (formerly Invitae), Labcorp
Classification: Uncertain significance. Last evaluated: 2022-05-25. Review status: criteria provided, single submitter. Criteria: Invitae Variant Classification Sherloc (09022015). Collection method: clinical testing. Allele origin: germline.
Comment: This sequence change replaces glutamic acid, which is acidic and polar, with lysine, which is basic and polar, at codon 386 of the CDCA7 protein (p.Glu386Lys). This variant is not present in population databases (gnomAD no frequency). This variant has not been reported in the literature in individuals affected with CDCA7-related conditions. Algorithms developed to predict the effect of missense changes on protein structure and function (SIFT, PolyPhen-2, Align-GVGD) all suggest that this variant is likely to be disruptive. Algorithms developed to predict the effect of sequence changes on RNA splicing suggest that this variant may create or strengthen a splice site. In summary, the available evidence is currently insufficient to determine the role of this variant in disease. Therefore, it has been classified as a Variant of Uncertain Significance.